The following is an entry in ClinVar:

ClinVar aggregate classification (germline): Uncertain significance. Review status: criteria provided, multiple submitters, no conflicts (2 of 4 stars). 2 submissions from 2 submitters: Uncertain significance (2). Last evaluated 2025-06-17.

Conditions:
PLXNA2-related disorder. Also called: PLXNA2-related condition.

gnomAD v4.1: 9 of 1,613,456 alleles (0.00056%); highest among the groups gnomAD compares: Non-Finnish European, 0.00076%; no homozygotes.

Submissions (2):

Ambry Genetics
Classification: Uncertain significance. Last evaluated: 2025-06-17. Review status: criteria provided, single submitter. Criteria: Ambry Variant Classification Scheme 2023. Collection method: clinical testing. Allele origin: germline.

PreventionGenetics, part of Exact Sciences
Classification: Uncertain significance for PLXNA2-related condition. Last evaluated: 2024-10-14. Review status: criteria provided, single submitter. Criteria: ACMG Guidelines, 2015. Collection method: clinical testing. Allele origin: germline.
Comment: The PLXNA2 c.4006C>T variant is predicted to result in the amino acid substitution p.Arg1336Trp. To our knowledge, this variant has not been reported in the literature. This variant is reported in 0.00088% of alleles in individuals of European (Non-Finnish) descent in gnomAD. At this time, the clinical significance of this variant is uncertain due to the absence of conclusive functional and genetic evidence.

NM_025179.4(PLXNA2):c.4006C>T (p.Arg1336Trp)

Gene: PLXNA2 (plexin A2; minus strand). Cytogenetic location: 1q32.2.
Variant type: single nucleotide variant.
Coding change: c.4006C>T on transcript NM_025179.4 (MANE Select); coding-DNA position 4006, C replaced by T.
Protein change: p.Arg1336Trp; replaces arginine 1336 with tryptophan.
Molecular consequence: missense variant.
Genome position (GRCh38, 1-based): chr1:208,043,072, G>A on the plus strand (C>T on the coding strand, the complement: PLXNA2 is on the minus strand). VCF-style: chr1-208043072-G-A. GRCh37 (hg19) VCF-style: chr1-208216417-G-A.
Other names: short protein forms R1336W.
Identifiers: ClinVar variation 4140101 (VCV004140101.2).